The following is an entry in ClinVar:

NM_001244008.2(KIF1A):c.4942C>T (p.Pro1648Ser)

Gene: KIF1A (kinesin family member 1A; minus strand). Cytogenetic location: 2q37.3.
Variant type: single nucleotide variant.
Coding change: c.4942C>T on transcript NM_001244008.2 (MANE Select); coding-DNA position 4942, C replaced by T.
Protein change: p.Pro1648Ser; replaces proline 1648 with serine.
Molecular consequence: missense variant.
Genome position (GRCh38, 1-based): chr2:240,719,853, G>A on the plus strand (C>T on the coding strand, the complement: KIF1A is on the minus strand). VCF-style: chr2-240719853-G-A. GRCh37 (hg19) VCF-style: chr2-241659270-G-A.
Other names: c.4666C>T, p.Pro1556Ser (NM_001320705.2, NM_001379649.1); c.4693C>T, p.Pro1565Ser (NM_001330289.2); c.4741C>T, p.Pro1581Ser (NM_001330290.2, NM_001379648.1); c.5017C>T, p.Pro1673Ser (NM_001379631.1); c.4918C>T, p.Pro1640Ser (NM_001379632.1); c.4915C>T, p.Pro1639Ser (NM_001379633.1, NM_001379645.1); c.4768C>T, p.Pro1590Ser (NM_001379634.1); c.4765C>T, p.Pro1589Ser (NM_001379635.1, NM_001379646.1); and 7 more; short protein forms P1555S, P1585S, P1589S, P1673S, P1546S, P1565S, P1572S, P1590S.
Identifiers: ClinVar variation 2151155 (VCV002151155.4), dbSNP rs2536616085, ClinGen allele CA351300581.

ClinVar aggregate classification (germline): Uncertain significance (1 of 4 stars; one submission).

Conditions:
Neuropathy, hereditary sensory, type 2C. Also called: Hereditary sensory and autonomic neuropathy type IIC; KIF1A-Related HSAN2 (HSAN2C). Identifiers: Orphanet 970, MedGen C3280168, MONDO:0013634, OMIM 614213.
Intellectual disability, autosomal dominant 9 (NESCAVS). Also called: NESCAV SYNDROME; KIF1A-Related Neurodevelopmental Disorder. Identifiers: Orphanet 662367, MedGen C5393830, MONDO:0013656, OMIM 614255.
Hereditary spastic paraplegia 30. Identifiers: Orphanet 101010, MedGen C5235139, MONDO:0012476.

Allele frequency attached by ClinVar (database versions not stated): gnomAD exomes below 0.00001.

Submission:

Labcorp Genetics (formerly Invitae), Labcorp
Classification: Uncertain significance for Hereditary spastic paraplegia 30; Neuropathy, hereditary sensory, type 2C; Intellectual disability, autosomal dominant 9. Last evaluated: 2022-06-16. Review status: criteria provided, single submitter. Criteria: Invitae Variant Classification Sherloc (09022015). Collection method: clinical testing. Allele origin: germline.
Comment: This sequence change replaces proline, which is neutral and non-polar, with serine, which is neutral and polar, at codon 1547 of the KIF1A protein (p.Pro1547Ser). This variant is not present in population databases (gnomAD no frequency). In summary, the available evidence is currently insufficient to determine the role of this variant in disease. Therefore, it has been classified as a Variant of Uncertain Significance. Advanced modeling of protein sequence and biophysical properties (such as structural, functional, and spatial information, amino acid conservation, physicochemical variation, residue mobility, and thermodynamic stability) performed at Invitae indicates that this missense variant is not expected to disrupt KIF1A protein function. This variant has not been reported in the literature in individuals affected with KIF1A-related conditions.